The following is an entry in ClinVar:

NM_198709.3(ARSB):c.-310-3dup

Gene: ARSB (arylsulfatase B; minus strand). Cytogenetic location: 5q14.1.
Variant type: Duplication.
Coding change: c.-310-3dup on transcript NM_198709.3; 3 bases into the intron before 310 bases upstream of the start codon, one base duplicated (T; older notation c.-310-3dupT).
Molecular consequence: intron variant.
Genome position (GRCh38, 1-based): chr5:78,985,561, A duplicated on the plus strand (T on the coding strand, the reverse complement: ARSB is on the minus strand); the first of 10 consecutive A bases (chr5:78,985,561-78,985,570); duplicating any one gives the same sequence. VCF-style (leftmost placement, unchanged base first): chr5-78985560-T-TA. GRCh37 (hg19) VCF-style: chr5-78281383-T-TA.
Identifiers: ClinVar variation 354324 (VCV000354324.15), dbSNP rs11424557, ClinGen allele CA10622306.

ClinVar aggregate classification (germline): Benign. Review status: criteria provided, multiple submitters, no conflicts (2 of 4 stars). 2 submissions from 2 submitters: Benign (2). Last evaluated 2025-10-27.

Conditions:
Mucopolysaccharidosis type 6 (MPS6). Also called: MPS 6; Maroteaux Lamy syndrome; MPS VI; N-ACETYLGALACTOSAMINE-4-SULFATASE DEFICIENCY; ARSB DEFICIENCY; ARYLSULFATASE B DEFICIENCY. Identifiers: Orphanet 583, MedGen C0026709, MONDO:0009661, OMIM 253200.

Submissions (2):

Labcorp Genetics (formerly Invitae), Labcorp
Classification: Benign for Mucopolysaccharidosis type 6. Last evaluated: 2025-10-27. Review status: criteria provided, single submitter. Criteria: Invitae Variant Classification Sherloc (09022015). Collection method: clinical testing. Allele origin: germline.

GeneDx
Classification: Benign. Last evaluated: 2019-08-26. Review status: criteria provided, single submitter. Criteria: GeneDx Variant Classification Process June 2021. Collection method: clinical testing. Allele origin: germline. Affected: yes.
Comment: This variant is associated with the following publications: (PMID: 28137300)